The following is an entry in ClinVar:

ClinVar aggregate classification (germline): Conflicting classifications of pathogenicity. Review status: criteria provided, conflicting classifications (1 of 4 stars). 2 submissions from 2 submitters: Uncertain significance (1); Likely benign (1). Last evaluated 2025-03-20.

Conditions:
Tuberous sclerosis 1 (TSC1). Identifiers: Orphanet 805, MedGen C1854465, MONDO:0008612, OMIM 191100.
Hereditary cancer-predisposing syndrome. Also called: Hereditary Cancer Syndrome; Neoplastic Syndromes, Hereditary; Tumor predisposition; Hereditary neoplastic syndrome. Identifiers: Orphanet 140162, MedGen C0027672, MeSH D009386, MONDO:0015356.

Allele frequency attached by ClinVar (database versions not stated): gnomAD exomes below 0.00001; TOPMed below 0.00001.
gnomAD v4.1: 3 of 1,614,170 alleles (0.00019%); highest among the groups gnomAD compares: East Asian, 0.0022%; no homozygotes.

Submissions (2):

Labcorp Genetics (formerly Invitae), Labcorp
Classification: Likely benign for Tuberous sclerosis 1. Last evaluated: 2025-03-20. Review status: criteria provided, single submitter. Criteria: Invitae Variant Classification Sherloc (09022015). Collection method: clinical testing. Allele origin: germline.

Ambry Genetics
Classification: Uncertain significance for Hereditary cancer-predisposing syndrome. Last evaluated: 2024-02-25. Review status: criteria provided, single submitter. Criteria: Ambry Variant Classification Scheme 2023. Collection method: clinical testing. Allele origin: germline.
Comment: The p.E860K variant (also known as c.2578G>A), located in coding exon 18 of the TSC1 gene, results from a G to A substitution at nucleotide position 2578. The glutamic acid at codon 860 is replaced by lysine, an amino acid with similar properties. This amino acid position is well conserved in available vertebrate species. In addition, this alteration is predicted to be tolerated by in silico analysis. Since supporting evidence is limited at this time, the clinical significance of this alteration remains unclear.

NM_000368.5(TSC1):c.2578G>A (p.Glu860Lys)

Gene: TSC1 (TSC complex subunit 1; minus strand). Cytogenetic location: 9q34.13.
Variant type: single nucleotide variant.
Coding change: c.2578G>A on transcript NM_000368.5 (MANE Select); coding-DNA position 2578, G replaced by A.
Protein change: p.Glu860Lys; replaces glutamic acid 860 with lysine.
Molecular consequence: missense variant.
Genome position (GRCh38, 1-based): chr9:132,900,762, C>T on the plus strand (G>A on the coding strand, the complement: TSC1 is on the minus strand). VCF-style: chr9-132900762-C-T. GRCh37 (hg19) VCF-style: chr9-135776149-C-T.
Other names: c.2575G>A, p.Glu859Lys (NM_001162426.2); c.2425G>A, p.Glu809Lys (NM_001162427.2); c.2215G>A, p.Glu739Lys (NM_001362177.2); short protein forms E859K, E860K, E809K, E739K.
Identifiers: ClinVar variation 1351989 (VCV001351989.10), dbSNP rs1169898186, ClinGen allele CA375370027.